The following is an entry in ClinVar:

ClinVar aggregate classification (germline): Uncertain significance. Review status: criteria provided, multiple submitters, no conflicts (2 of 4 stars). 2 submissions from 2 submitters: Uncertain significance (2). Last evaluated 2023-10-13.

Conditions:
Inborn genetic diseases. Identifiers: MedGen C0950123, MeSH D030342.

gnomAD v4.1: 2 of 1,614,190 alleles (0.00012%); highest among the groups gnomAD compares: Admixed American, 0.0033%; no homozygotes.

Submissions (2):

Labcorp Genetics (formerly Invitae), Labcorp
Classification: Uncertain significance. Last evaluated: 2023-10-13. Review status: criteria provided, single submitter. Criteria: Invitae Variant Classification Sherloc (09022015). Collection method: clinical testing. Allele origin: germline.
Comment: This sequence change replaces serine, which is neutral and polar, with arginine, which is basic and polar, at codon 240 of the SPART protein (p.Ser240Arg). This variant is present in population databases (no rsID available, gnomAD 0.009%). This variant has not been reported in the literature in individuals affected with SPART-related conditions. ClinVar contains an entry for this variant (Variation ID: 2195244). Advanced modeling of protein sequence and biophysical properties (such as structural, functional, and spatial information, amino acid conservation, physicochemical variation, residue mobility, and thermodynamic stability) has been performed at Invitae for this missense variant, however the output from this modeling did not meet the statistical confidence thresholds required to predict the impact of this variant on SPART protein function. In summary, the available evidence is currently insufficient to determine the role of this variant in disease. Therefore, it has been classified as a Variant of Uncertain Significance.

Ambry Genetics
Classification: Uncertain significance for Inborn genetic diseases. Last evaluated: 2022-04-12. Review status: criteria provided, single submitter. Criteria: Ambry Variant Classification Scheme 2023. Collection method: clinical testing. Allele origin: germline.

NM_015087.5(SPART):c.720T>G (p.Ser240Arg)

Gene: SPART (spartin; minus strand). Cytogenetic location: 13q13.3.
Variant type: single nucleotide variant.
Coding change: c.720T>G on transcript NM_015087.5 (MANE Select); coding-DNA position 720, T replaced by G.
Protein change: p.Ser240Arg; replaces serine 240 with arginine.
Molecular consequence: missense variant.
Genome position (GRCh38, 1-based): chr13:36,335,111, A>C on the plus strand (T>G on the coding strand, the complement: SPART is on the minus strand). VCF-style: chr13-36335111-A-C. GRCh37 (hg19) VCF-style: chr13-36909248-A-C.
Other names: c.720T>G (NM_015087.4); c.720T>G, p.Ser240Arg (NM_001142294.2, NM_001142295.2, NM_001142296.2); short protein forms S240R.
Identifiers: ClinVar variation 2195244 (VCV002195244.5), dbSNP rs780452995, ClinGen allele CA387862480.